The following is an entry in ClinVar:

NM_000051.4(ATM):c.3571_3576+1del

Gene: ATM (ATM serine/threonine kinase; plus strand). Cytogenetic location: 11q22.3.
Variant type: Deletion.
Coding change: c.3571_3576+1del on transcript NM_000051.4 (MANE Select); coding-DNA position 3571 through the canonical splice donor site of the intron after coding-DNA position 3576, 7 bases deleted (AAAAAGG; older notation c.3571_3576+1delAAAAAGG).
Molecular consequence: splice donor variant.
Genome position (GRCh38, 1-based): chr11:108,281,163-108,281,169, AAAAAGG deleted; deleting any 7 consecutive bases within chr11:108,281,162-108,281,169 gives the same sequence; the c. name uses the placement nearest the transcript's 3' end. VCF-style (leftmost placement, unchanged base first): chr11-108281161-TGAAAAAG-T. GRCh37 (hg19) VCF-style: chr11-108151888-TGAAAAAG-T.
Other names: c.3571_3576+1del (NM_001351834.2).
Identifiers: ClinVar variation 1516895 (VCV001516895.6), dbSNP rs2135670424, ClinGen allele CA2573146517.

ClinVar aggregate classification (germline): Likely pathogenic (1 of 4 stars; one submission).

Conditions:
Ataxia-telangiectasia syndrome (AT). Also called: Cerebello-oculocutaneous telangiectasia; Immunodeficiency with ataxia telangiectasia; ATAXIA-TELANGIECTASIA, COMPLEMENTATION GROUP A; ATAXIA-TELANGIECTASIA, FRESNO VARIANT; Ataxia-telangiectasia, complementation group E; LOUIS-BAR SYNDROME. Identifiers: Orphanet 100, MedGen C0004135, MONDO:0008840, OMIM 208900.

Submission:

Labcorp Genetics (formerly Invitae), Labcorp
Classification: Likely pathogenic for Ataxia-telangiectasia syndrome. Last evaluated: 2022-07-12. Review status: criteria provided, single submitter. Criteria: Invitae Variant Classification Sherloc (09022015). Collection method: clinical testing. Allele origin: germline.
Comment: This sequence change affects a splice site in intron 24 of the ATM gene. It is expected to disrupt RNA splicing. Variants that disrupt the donor or acceptor splice site typically lead to a loss of protein function (PMID: 16199547), and loss-of-function variants in ATM are known to be pathogenic (PMID: 23807571, 25614872). This variant is not present in population databases (gnomAD no frequency). This variant has not been reported in the literature in individuals affected with ATM-related conditions. ClinVar contains an entry for this variant (Variation ID: 1516895). Algorithms developed to predict the effect of sequence changes on RNA splicing suggest that this variant may disrupt the consensus splice site. In summary, the currently available evidence indicates that the variant is pathogenic, but additional data are needed to prove that conclusively. Therefore, this variant has been classified as Likely Pathogenic.

Literature cited by the submitters: PubMed 16199547; PubMed 23807571; PubMed 25614872.